The following is an entry in ClinVar:

ClinVar aggregate classification (germline): Uncertain significance (1 of 4 stars; one submission).

Submission:

Labcorp Genetics (formerly Invitae), Labcorp
Classification: Uncertain significance. Last evaluated: 2024-09-30. Review status: criteria provided, single submitter. Criteria: Invitae Variant Classification Sherloc (09022015). Collection method: clinical testing. Allele origin: germline.
Comment: This sequence change replaces serine, which is neutral and polar, with asparagine, which is neutral and polar, at codon 31 of the CACNA2D4 protein (p.Ser31Asn). This variant is not present in population databases (gnomAD no frequency). This variant has not been reported in the literature in individuals affected with CACNA2D4-related conditions. An algorithm developed to predict the effect of missense changes on protein structure and function outputs the following: PolyPhen-2: "Benign". The asparagine amino acid residue is found in multiple mammalian species, which suggests that this missense change does not adversely affect protein function. In summary, the available evidence is currently insufficient to determine the role of this variant in disease. Therefore, it has been classified as a Variant of Uncertain Significance.

NM_172364.5(CACNA2D4):c.92G>A (p.Ser31Asn)

Gene: CACNA2D4 (calcium voltage-gated channel auxiliary subunit alpha2delta 4; minus strand). Cytogenetic location: 12p13.33.
Variant type: single nucleotide variant.
Coding change: c.92G>A on transcript NM_172364.5 (MANE Select); coding-DNA position 92, G replaced by A.
Protein change: p.Ser31Asn; replaces serine 31 with asparagine.
Molecular consequence: missense variant.
Genome position (GRCh38, 1-based): chr12:1,918,382, C>T on the plus strand (G>A on the coding strand, the complement: CACNA2D4 is on the minus strand). VCF-style: chr12-1918382-C-T. GRCh37 (hg19) VCF-style: chr12-2027548-C-T.
Other names: short protein forms S31N.
Identifiers: ClinVar variation 3721902 (VCV003721902.2).